The following is an entry in ClinVar:

ClinVar aggregate classification (germline): Uncertain significance. Review status: criteria provided, multiple submitters, no conflicts (2 of 4 stars). 3 submissions from 3 submitters: Uncertain significance (3). Last evaluated 2025-12-22.

Allele frequency attached by ClinVar (database versions not stated): gnomAD exomes 0.00002 and 0.00003; ExAC 0.00003; gnomAD 0.00007 and 0.00008; TOPMed 0.00007.
gnomAD v4.1: 45 of 1,614,010 alleles (0.0028%); highest among the groups gnomAD compares: Admixed American, 0.018%; 1 homozygote.

Submissions (3):

Labcorp Genetics (formerly Invitae), Labcorp
Classification: Uncertain significance. Last evaluated: 2025-12-22. Review status: criteria provided, single submitter. Criteria: Invitae Variant Classification Sherloc (09022015). Collection method: clinical testing. Allele origin: germline.
Comment: This sequence change replaces arginine, which is basic and polar, with histidine, which is basic and polar, at codon 295 of the CLCN6 protein (p.Arg295His). The frequency data for this variant in the population databases is considered unreliable, as metrics indicate poor data quality at this position in the gnomAD database. This variant has not been reported in the literature in individuals affected with CLCN6-related conditions. ClinVar contains an entry for this variant (Variation ID: 1431519). An algorithm developed to predict the effect of missense changes on protein structure and function (PolyPhen-2) suggests that this variant is likely to be disruptive. In summary, the available evidence is currently insufficient to determine the role of this variant in disease. Therefore, it has been classified as a Variant of Uncertain Significance.

Ambry Genetics
Classification: Uncertain significance. Last evaluated: 2024-02-28. Review status: criteria provided, single submitter. Criteria: Ambry Variant Classification Scheme 2023. Collection method: clinical testing. Allele origin: germline.

Breakthrough Genomics
Classification: Uncertain significance. Review status: criteria provided, single submitter. Criteria: ACMG Guidelines, 2015. Collection method: not provided. Allele origin: germline. Inheritance: Autosomal dominant inheritance. Affected: yes.

NM_001286.5(CLCN6):c.884G>A (p.Arg295His)

Gene: CLCN6 (chloride voltage-gated channel 6; plus strand). Cytogenetic location: 1p36.22.
Variant type: single nucleotide variant.
Coding change: c.884G>A on transcript NM_001286.5 (MANE Select); coding-DNA position 884, G replaced by A.
Protein change: p.Arg295His; replaces arginine 295 with histidine.
Molecular consequence: missense variant. On other transcripts: non-coding transcript variant (1).
Genome position (GRCh38, 1-based): chr1:11,828,149, G>A. VCF-style: chr1-11828149-G-A. GRCh37 (hg19) VCF-style: chr1-11888206-G-A.
Other names: c.818G>A, p.Arg273His (NM_001256959.2); c.884G>A (NM_001286.2); short protein forms R273H, R295H.
Identifiers: ClinVar variation 1431519 (VCV001431519.8), dbSNP rs768983318, ClinGen allele CA596278.